The following is an entry in ClinVar:

NM_177972.3(TUB):c.49G>C (p.Asp17His)

Gene: TUB (TUB bipartite transcription factor; plus strand). Cytogenetic location: 11p15.4.
Variant type: single nucleotide variant.
Coding change: c.49G>C on transcript NM_177972.3 (MANE Select); coding-DNA position 49, G replaced by C.
Protein change: p.Asp17His; replaces aspartic acid 17 with histidine.
Molecular consequence: missense variant.
Genome position (GRCh38, 1-based): chr11:8,089,620, G>C. VCF-style: chr11-8089620-G-C. GRCh37 (hg19) VCF-style: chr11-8111167-G-C.
Other names: c.214G>C (NM_003320.4); c.214G>C, p.Asp72His (NM_003320.5); short protein forms D72H, D17H.
Identifiers: ClinVar variation 1463343 (VCV001463343.11), dbSNP rs369739225, ClinGen allele CA5870931.

ClinVar aggregate classification (germline): Uncertain significance. Review status: criteria provided, multiple submitters, no conflicts (2 of 4 stars). 4 submissions from 4 submitters: Uncertain significance (3). 1 of the submissions does not count toward it. Last evaluated 2024-08-01.

Conditions:
TUB-related disorder. Also called: TUB-related condition.

Allele frequency attached by ClinVar (database versions not stated): gnomAD 0.00001; gnomAD exomes 0.00001; TOPMed 0.00001; ExAC 0.00002; ESP Exome Variant Server 0.00008.
gnomAD v4.1: 7 of 1,614,088 alleles (0.00043%); highest among the groups gnomAD compares: Non-Finnish European, 0.00059%; no homozygotes.

Submissions (4):

Ambry Genetics
Classification: Uncertain significance. Last evaluated: 2024-08-01. Review status: criteria provided, single submitter. Criteria: Ambry Variant Classification Scheme 2023. Collection method: clinical testing. Allele origin: germline.

Blueprint Genetics
Classification: Uncertain significance. Last evaluated: 2021-10-08. Review status: criteria provided, single submitter. Criteria: ACMG Guidelines, 2015. Collection method: clinical testing. Allele origin: germline.

Labcorp Genetics (formerly Invitae), Labcorp
Classification: Uncertain significance. Last evaluated: 2021-02-03. Review status: criteria provided, single submitter. Criteria: Invitae Variant Classification Sherloc (09022015). Collection method: clinical testing. Allele origin: germline.
Comment: This variant is present in population databases (rs369739225, ExAC 0.004%). This variant has not been reported in the literature in individuals with TUB-related conditions. Algorithms developed to predict the effect of missense changes on protein structure and function are either unavailable or do not agree on the potential impact of this missense change (SIFT: "Tolerated"; PolyPhen-2: "Probably Damaging"; Align-GVGD: "Class C0"). In summary, the available evidence is currently insufficient to determine the role of this variant in disease. Therefore, it has been classified as a Variant of Uncertain Significance. This sequence change replaces aspartic acid with histidine at codon 72 of the TUB protein (p.Asp72His). The aspartic acid residue is moderately conserved and there is a moderate physicochemical difference between aspartic acid and histidine.

PreventionGenetics, part of Exact Sciences
Classification: Uncertain significance for TUB-related condition. Last evaluated: 2024-03-21. Review status: no assertion criteria provided. Collection method: clinical testing. Allele origin: germline. Not counted in ClinVar's aggregate classification.
Comment: The TUB c.214G>C variant is predicted to result in the amino acid substitution p.Asp72His. To our knowledge, this variant has not been reported in the literature. This variant is reported in 0.0026% of alleles in individuals of European (Non-Finnish) descent in gnomAD. At this time, the clinical significance of this variant is uncertain due to the absence of conclusive functional and genetic evidence.